The following is an entry in ClinVar:

NM_001374353.1(GLI2):c.1243G>A (p.Val415Met)

Gene: GLI2 (GLI family zinc finger 2; plus strand). Cytogenetic location: 2q14.2.
Variant type: single nucleotide variant.
Coding change: c.1243G>A on transcript NM_001374353.1 (MANE Select); coding-DNA position 1243, G replaced by A.
Protein change: p.Val415Met; replaces valine 415 with methionine.
Molecular consequence: missense variant.
Genome position (GRCh38, 1-based): chr2:120,975,035, G>A. VCF-style: chr2-120975035-G-A. GRCh37 (hg19) VCF-style: chr2-121732611-G-A.
Other names: c.1294G>A, p.Val432Met (NM_001371271.1, NM_005270.5); c.868G>A, p.Val290Met (NM_001374354.1); short protein forms V432M, V290M, V415M.
Identifiers: ClinVar variation 198817 (VCV000198817.25), dbSNP rs142296407, ClinGen allele CA203625.

ClinVar aggregate classification (germline): Benign/Likely benign. Review status: criteria provided, multiple submitters, no conflicts (2 of 4 stars). 7 submissions from 7 submitters: Benign (4); Likely benign (3). Last evaluated 2026-05-12.

Conditions:
Holoprosencephaly 9 (HPE9). Also called: HOLOPROSENCEPHALY WITH MICROPHTHALMIA AND FIRST BRANCHIAL ARCH ANOMALIES; PITUITARY ANOMALIES WITH HOLOPROSENCEPHALY-LIKE FEATURES. Identifiers: Orphanet 2162, MedGen C1835819, MONDO:0012563, OMIM 610829.
Postaxial polydactyly-anterior pituitary anomalies-facial dysmorphism syndrome. Also called: Culler-Jones syndrome. Identifiers: Orphanet 420584, MedGen C4014479, MONDO:0014369, OMIM 615849.

Allele frequency attached by ClinVar (database versions not stated): gnomAD exomes 0.00051 and 0.00124; ExAC 0.00151; ESP Exome Variant Server 0.00423; TOPMed 0.00455; 1000 Genomes Project 0.00559; 1000 Genomes Project 30x 0.00578.

Submissions (7):

Women's Health and Genetics/Laboratory Corporation of America, LabCorp
Classification: Likely benign. Last evaluated: 2026-05-12. Review status: criteria provided, single submitter. Criteria: LabCorp Variant Classification Summary - May 2015. Collection method: clinical testing. Allele origin: germline.

CeGaT Center for Human Genetics Tuebingen
Classification: Likely benign. Last evaluated: 2026-05-01. Review status: criteria provided, single submitter. Criteria: CeGaT Center For Human Genetics Tuebingen Variant Classification Criteria Version 2. Collection method: clinical testing. Allele origin: germline. Affected: yes. Observed: 2 variant alleles.
Comment: GLI2: BS1

Labcorp Genetics (formerly Invitae), Labcorp
Classification: Benign for Postaxial polydactyly-anterior pituitary anomalies-facial dysmorphism syndrome; Holoprosencephaly 9. Last evaluated: 2026-02-01. Review status: criteria provided, single submitter. Criteria: Invitae Variant Classification Sherloc (09022015). Collection method: clinical testing. Allele origin: germline.

Blueprint Genetics
Classification: Likely benign. Last evaluated: 2024-11-13. Review status: criteria provided, single submitter. Criteria: ACMG Guidelines, 2015. Collection method: clinical testing. Allele origin: germline.

Illumina Laboratory Services, Illumina
Classification: Benign for Holoprosencephaly 9. Last evaluated: 2018-01-13. Review status: criteria provided, single submitter. Criteria: ICSL Variant Classification Criteria 13 December 2019. Collection method: clinical testing. Allele origin: germline.
Comment: This variant was observed in the ICSL laboratory as part of a predisposition screen in an ostensibly healthy population. It had not been previously curated by ICSL or reported in the Human Gene Mutation Database (HGMD: prior to June 1st, 2018), and was therefore a candidate for classification through an automated scoring system. Utilizing variant allele frequency, disease prevalence and penetrance estimates, and inheritance mode, an automated score was calculated to assess if this variant is too frequent to cause the disease. Based on the score and internal cut-off values, a variant classified as benign is not then subjected to further curation. The score for this variant resulted in a classification of benign for this disease.

Eurofins Ntd Llc (ga)
Classification: Benign. Last evaluated: 2015-05-29. Review status: criteria provided, single submitter. Criteria: EGL Classification Definitions 2015. Collection method: clinical testing. Allele origin: germline. Observed: 1 variant allele, 1 heterozygote.

Breakthrough Genomics
Classification: Benign. Review status: criteria provided, single submitter. Criteria: ACMG Guidelines, 2015. Collection method: not provided. Allele origin: germline. Inheritance: Autosomal dominant inheritance. Affected: yes.